The following is an entry in ClinVar:

ClinVar aggregate classification (germline): Uncertain significance (1 of 4 stars; one submission).

Conditions:
Early-infantile DEE. Also called: Early infantile epileptic encephalopathy; Ohtahara syndrome; Early infantile epileptic encephalopathy with suppression bursts. Identifiers: Orphanet 1934, MedGen C0393706, MONDO:0800491.

Submission:

Labcorp Genetics (formerly Invitae), Labcorp
Classification: Uncertain significance for Early-infantile DEE. Last evaluated: 2021-05-08. Review status: criteria provided, single submitter. Criteria: Invitae Variant Classification Sherloc (09022015). Collection method: clinical testing. Allele origin: germline.
Comment: In summary, the available evidence is currently insufficient to determine the role of this variant in disease. Therefore, it has been classified as a Variant of Uncertain Significance. Algorithms developed to predict the effect of missense changes on protein structure and function (SIFT, PolyPhen-2, Align-GVGD) all suggest that this variant is likely to be disruptive, but these predictions have not been confirmed by published functional studies and their clinical significance is uncertain. This variant has not been reported in the literature in individuals with ARHGEF15-related conditions. This variant is not present in population databases (ExAC no frequency). This sequence change replaces arginine with glycine at codon 523 of the ARHGEF15 protein (p.Arg523Gly). The arginine residue is highly conserved and there is a moderate physicochemical difference between arginine and glycine.

NM_173728.4(ARHGEF15):c.1567C>G (p.Arg523Gly)

Gene: ARHGEF15 (Rho guanine nucleotide exchange factor 15; plus strand). Cytogenetic location: 17p13.1.
Variant type: single nucleotide variant.
Coding change: c.1567C>G on transcript NM_173728.4 (MANE Select); coding-DNA position 1567, C replaced by G.
Protein change: p.Arg523Gly; replaces arginine 523 with glycine.
Molecular consequence: missense variant.
Genome position (GRCh38, 1-based): chr17:8,315,900, C>G. VCF-style: chr17-8315900-C-G. GRCh37 (hg19) VCF-style: chr17-8219218-C-G.
Other names: c.1567C>G, p.Arg523Gly (NM_025014.2); short protein forms R523G.
Identifiers: ClinVar variation 1437592 (VCV001437592.9), dbSNP rs1400883593, ClinGen allele CA398021074.